The following is an entry in ClinVar:

ClinVar aggregate classification (germline): Uncertain significance. Review status: criteria provided, multiple submitters, no conflicts (2 of 4 stars). 3 submissions from 3 submitters: Uncertain significance (3). Last evaluated 2025-04-28.

Conditions:
Achondroplasia (ACH). Also called: Achondroplastic dwarfism. Identifiers: Orphanet 15, MedGen C0001080, MONDO:0007037, OMIM 100800. Disease mechanism: gain of function.

Submissions (3):

Labcorp Genetics (formerly Invitae), Labcorp
Classification: Uncertain significance. Last evaluated: 2025-04-28. Review status: criteria provided, single submitter. Criteria: Invitae Variant Classification Sherloc (09022015). Collection method: clinical testing. Allele origin: germline.
Comment: This sequence change replaces threonine, which is neutral and polar, with isoleucine, which is neutral and non-polar, at codon 330 of the FGFR3 protein (p.Thr330Ile). This variant is not present in population databases (gnomAD no frequency). This variant has not been reported in the literature in individuals affected with FGFR3-related conditions. ClinVar contains an entry for this variant (Variation ID: 959789). Invitae Evidence Modeling of protein sequence and biophysical properties (such as structural, functional, and spatial information, amino acid conservation, physicochemical variation, residue mobility, and thermodynamic stability) has been performed for this missense variant. However, the output from this modeling did not meet the statistical confidence thresholds required to predict the impact of this variant on FGFR3 protein function. In summary, the available evidence is currently insufficient to determine the role of this variant in disease. Therefore, it has been classified as a Variant of Uncertain Significance.

GeneDx
Classification: Uncertain significance. Last evaluated: 2024-08-14. Review status: criteria provided, single submitter. Criteria: GeneDx Variant Classification Process June 2021. Collection method: clinical testing. Allele origin: germline. Affected: yes.
Comment: Not observed at significant frequency in large population cohorts (gnomAD); In silico analysis supports that this missense variant has a deleterious effect on protein structure/function; Has not been previously published as pathogenic or benign to our knowledge

Laboratory of Medical Genetics, National & Kapodistrian University of Athens
Classification: Uncertain significance for Achondroplasia. Last evaluated: 2022-09-20. Review status: criteria provided, single submitter. Criteria: ACMG Guidelines, 2015. Collection method: clinical testing. Allele origin: germline. Affected: yes.
Comment: PM2, PP2, PP3

NM_000142.5(FGFR3):c.989C>T (p.Thr330Ile)

Gene: FGFR3 (fibroblast growth factor receptor 3; plus strand). Cytogenetic location: 4p16.3.
Variant type: single nucleotide variant.
Coding change: c.989C>T on transcript NM_000142.5 (MANE Select); coding-DNA position 989, C replaced by T.
Protein change: p.Thr330Ile; replaces threonine 330 with isoleucine.
Molecular consequence: missense variant. On other transcripts: non-coding transcript variant (1), intron variant (2).
Genome position (GRCh38, 1-based): chr4:1,803,750, C>T. VCF-style: chr4-1803750-C-T. GRCh37 (hg19) VCF-style: chr4-1805477-C-T.
Other names: c.989C>T, p.Thr330Ile (NM_001354809.2, NM_001354810.2); c.1082-580C>T (NM_001163213.2); c.931-1074C>T (NM_022965.4); short protein forms T330I.
Identifiers: ClinVar variation 959789 (VCV000959789.9), dbSNP rs1721503041, ClinGen allele CA355978269.